The following is an entry in ClinVar:

NM_000271.5(NPC1):c.3560C>T (p.Ala1187Val)

Gene: NPC1 (NPC intracellular cholesterol transporter 1; minus strand). Cytogenetic location: 18q11.2.
Variant type: single nucleotide variant.
Coding change: c.3560C>T on transcript NM_000271.5 (MANE Select); coding-DNA position 3560, C replaced by T.
Protein change: p.Ala1187Val; replaces alanine 1187 with valine.
Molecular consequence: missense variant.
Genome position (GRCh38, 1-based): chr18:23,534,477, G>A on the plus strand (C>T on the coding strand, the complement: NPC1 is on the minus strand). VCF-style: chr18-23534477-G-A. GRCh37 (hg19) VCF-style: chr18-21114441-G-A.
Other names: short protein forms A1187V.
Identifiers: ClinVar variation 556002 (VCV000556002.17), dbSNP rs113371321, ClinGen allele CA8912730.

ClinVar aggregate classification (germline): Conflicting classifications of pathogenicity. Review status: criteria provided, conflicting classifications (1 of 4 stars). 10 submissions from 10 submitters: Likely pathogenic (1); Uncertain significance (6). 3 of the submissions do not count toward it. Last evaluated 2024-09-06.

Conditions:
Inborn genetic diseases. Identifiers: MedGen C0950123, MeSH D030342.
NPC1-related disorder. Also called: NPC1-related condition.
Niemann-Pick disease, type C1. Also called: NEUROVISCERAL STORAGE DISEASE WITH VERTICAL SUPRANUCLEAR OPHTHALMOPLEGIA; NIEMANN-PICK DISEASE WITH CHOLESTEROL ESTERIFICATION BLOCK; NIEMANN-PICK DISEASE WITHOUT SPHINGOMYELINASE DEFICIENCY; NIEMANN-PICK DISEASE, CHRONIC NEURONOPATHIC FORM; NIEMANN-PICK DISEASE, VARIANT TYPE C1. Identifiers: Orphanet 646, MedGen C3179455, MONDO:0009757, OMIM 257220.

Allele frequency attached by ClinVar (database versions not stated): gnomAD 0.00004 and 0.00005; gnomAD exomes 0.00004 and 0.00012; TOPMed 0.00006; ExAC 0.00012; 1000 Genomes Project 0.00020; 1000 Genomes Project 30x 0.00062.
gnomAD v4.1: 74 of 1,613,908 alleles (0.0046%); highest among the groups gnomAD compares: Admixed American, 0.043%; 1 homozygote.

Submissions (10):

Blueprint Genetics
Classification: Likely pathogenic for NPC1-related disorders. Last evaluated: 2024-09-06. Review status: criteria provided, single submitter. Criteria: ACMG Guidelines, 2015. Collection method: clinical testing. Allele origin: germline. Affected: yes. Observed: 5 variant alleles.

Women's Health and Genetics/Laboratory Corporation of America, LabCorp
Classification: Uncertain significance. Last evaluated: 2023-10-18. Review status: criteria provided, single submitter. Criteria: LabCorp Variant Classification Summary - May 2015. Collection method: clinical testing. Allele origin: germline.
Comment: Variant summary: NPC1 c.3560C>T (p.Ala1187Val) results in a non-conservative amino acid change in the encoded protein sequence. Four of five in-silico tools predict a damaging effect of the variant on protein function. The variant allele was found at a frequency of 0.00012 in 251064 control chromosomes (gnomAD). This frequency is not significantly higher than estimated for a pathogenic variant in NPC1 causing Niemann-Pick Disease Type C (0.00012 vs 0.0027), allowing no conclusion about variant significance. c.3560C>T has been reported in the literature in individuals affected with clinical features of Niemann-Pick Type C (examples: Fancello_2009, Monies_2019, Sriretnakumar_2019, Dardis_2020, Chen_2022). These report(s) do not provide unequivocal conclusions about association of the variant with Niemann-Pick Disease Type C. To our knowledge, no experimental evidence demonstrating an impact on protein function has been reported. The following publications have been ascertained in the context of this evaluation (PMID: 30556376, 35861376, 32138288, 19252935, 31130284, 33138774). Seven submitters have cited clinical-significance assessments for this variant to ClinVar after 2014. All submitters classified the variant as uncertain significance. Based on the evidence outlined above, the variant was classified as uncertain significance.

GeneDx
Classification: Uncertain significance. Last evaluated: 2022-11-25. Review status: criteria provided, single submitter. Criteria: GeneDx Variant Classification Process June 2021. Collection method: clinical testing. Allele origin: germline. Affected: yes.
Comment: Identified in adults with psychotic symptoms in published literature (Fancello et al., 2009; Sriretnakumar et al., 2019); In silico analysis supports that this missense variant has a deleterious effect on protein structure/function; This variant is associated with the following publications: (PMID: 34426522, 19252935, 32138288, 31130284, 30556376, 34670123)

Ambry Genetics
Classification: Uncertain significance for Inborn genetic diseases. Last evaluated: 2022-10-25. Review status: criteria provided, single submitter. Criteria: Ambry Variant Classification Scheme 2023. Collection method: clinical testing. Allele origin: germline.

Labcorp Genetics (formerly Invitae), Labcorp
Classification: Uncertain significance for Niemann-Pick disease, type C1. Last evaluated: 2022-09-07. Review status: criteria provided, single submitter. Criteria: Invitae Variant Classification Sherloc (09022015). Collection method: clinical testing. Allele origin: germline.
Comment: This sequence change replaces alanine, which is neutral and non-polar, with valine, which is neutral and non-polar, at codon 1187 of the NPC1 protein (p.Ala1187Val). This variant is present in population databases (rs113371321, gnomAD 0.04%). This missense change has been observed in individual(s) with clinical features of Niemann-Pick Type C (PMID: 19252935, 31130284, 32138288). ClinVar contains an entry for this variant (Variation ID: 556002). Algorithms developed to predict the effect of missense changes on protein structure and function are either unavailable or do not agree on the potential impact of this missense change (SIFT: "Tolerated"; PolyPhen-2: "Probably Damaging"; Align-GVGD: "Class C0"). This variant disrupts the p.Ala1187 amino acid residue in NPC1. Other variant(s) that disrupt this residue have been determined to be pathogenic (PMID: 26981555; Invitae). This suggests that this residue is clinically significant, and that variants that disrupt this residue are likely to be disease-causing. In summary, the available evidence is currently insufficient to determine the role of this variant in disease. Therefore, it has been classified as a Variant of Uncertain Significance.

Fulgent Genetics
Classification: Uncertain significance for Niemann-Pick disease, type C1. Last evaluated: 2021-09-06. Review status: criteria provided, single submitter. Criteria: ACMG Guidelines, 2015. Collection method: clinical testing. Allele origin: unknown.

Eurofins Ntd Llc (ga)
Classification: Uncertain significance. Last evaluated: 2017-09-29. Review status: criteria provided, single submitter. Criteria: EGL Classification Definitions 2015. Collection method: clinical testing. Allele origin: germline. Observed: 2 variant alleles, 2 heterozygotes.

PreventionGenetics, part of Exact Sciences
Classification: Uncertain significance for NPC1-related condition. Last evaluated: 2024-09-09. Review status: no assertion criteria provided. Collection method: clinical testing. Allele origin: germline. Not counted in ClinVar's aggregate classification.
Comment: The NPC1 c.3560C>T variant is predicted to result in the amino acid substitution p.Ala1187Val. This variant has been reported in an individual with Niemann-Pick disease, type C (NPC) (Fancello et al. 2009. PubMed ID: 19252935) and has been reported in the homozygous state in an infant with fine and gross motor delay, speech delay, intellectual disability, white matter changes, and spasticity (Table S1, Monies et al. 2019. PubMed ID: 31130284). An alternate nucleotide change, p.Ala1187Gly, has been reported in the compound heterozygous state in an individual with NPC (Table S1, Reunert et al. 2015. PubMed ID: 26981555). This variant is reported in 0.045% of alleles in individuals of Latino descent in gnomAD. At this time, the clinical significance of this variant is uncertain due to the absence of conclusive functional and genetic evidence.

Natera, Inc.
Classification: Uncertain significance for Niemann-Pick disease type C1. Last evaluated: 2020-02-08. Review status: no assertion criteria provided. Collection method: clinical testing. Allele origin: germline. Not counted in ClinVar's aggregate classification.

Counsyl
Classification: Uncertain significance for Niemann-Pick disease, type C1. Last evaluated: 2018-01-05. Review status: no assertion criteria provided. Collection method: clinical testing. Allele origin: unknown. Not counted in ClinVar's aggregate classification.

Literature cited by the submitters: PubMed 19252935 (cited by 4 submitters); PubMed 30556376 (cited by Women's Health and Genetics/Laboratory Corporation of America, LabCorp); PubMed 31130284 (cited by 3 submitters); PubMed 33138774 (cited by Women's Health and Genetics/Laboratory Corporation of America, LabCorp); PubMed 32138288 (cited by Women's Health and Genetics/Laboratory Corporation of America, LabCorp and Labcorp Genetics (formerly Invitae), Labcorp); PubMed 35861376 (cited by Women's Health and Genetics/Laboratory Corporation of America, LabCorp); PubMed 26981555 (cited by Labcorp Genetics (formerly Invitae), Labcorp); PubMed 28193631 (cited by Counsyl).